The following is an entry in ClinVar:

NM_005477.3(HCN4):c.1536C>T (p.His512=)

Gene: HCN4 (hyperpolarization activated cyclic nucleotide gated potassium channel 4; minus strand). Cytogenetic location: 15q24.1.
Variant type: single nucleotide variant.
Coding change: c.1536C>T on transcript NM_005477.3 (MANE Select); coding-DNA position 1536, C replaced by T.
Protein change: p.His512=; no amino-acid change (histidine 512 retained).
Molecular consequence: synonymous variant.
Genome position (GRCh38, 1-based): chr15:73,329,627, G>A on the plus strand (C>T on the coding strand, the complement: HCN4 is on the minus strand). VCF-style: chr15-73329627-G-A. GRCh37 (hg19) VCF-style: chr15-73621968-G-A.
Identifiers: ClinVar variation 412786 (VCV000412786.18), dbSNP rs146306966, ClinGen allele CA7649283.

ClinVar aggregate classification (germline): Benign/Likely benign. Review status: criteria provided, multiple submitters, no conflicts (2 of 4 stars). 7 submissions from 7 submitters: Benign (2); Likely benign (3). 2 of the submissions do not count toward it. Last evaluated 2026-01-25.

Conditions:
Cardiovascular phenotype. Identifiers: MedGen CN230736.
Brugada syndrome 8 (BRGDA8). Identifiers: Orphanet 130, MedGen C2751083, MONDO:0013148, OMIM 613123.

Allele frequency attached by ClinVar (database versions not stated): ESP Exome Variant Server 0.00015; TOPMed 0.00020; gnomAD 0.00024 and 0.00033; gnomAD exomes 0.00024 and 0.00045; ExAC 0.00048; 1000 Genomes Project 30x 0.00062; 1000 Genomes Project 0.00080.
gnomAD v4.1: 404 of 1,614,168 alleles (0.025%); highest among the groups gnomAD compares: South Asian, 0.3%; 2 homozygotes.

Submissions (7):

Labcorp Genetics (formerly Invitae), Labcorp
Classification: Benign for Brugada syndrome 8. Last evaluated: 2026-01-25. Review status: criteria provided, single submitter. Criteria: Invitae Variant Classification Sherloc (09022015). Collection method: clinical testing. Allele origin: germline.

Women's Health and Genetics/Laboratory Corporation of America, LabCorp
Classification: Benign. Last evaluated: 2024-11-21. Review status: criteria provided, single submitter. Criteria: LabCorp Variant Classification Summary - May 2015. Collection method: clinical testing. Allele origin: germline.

Blueprint Genetics
Classification: Likely benign. Last evaluated: 2024-11-19. Review status: criteria provided, single submitter. Criteria: ACMG Guidelines, 2015. Collection method: clinical testing. Allele origin: germline.

GeneDx
Classification: Likely benign. Last evaluated: 2017-11-30. Review status: criteria provided, single submitter. Criteria: GeneDx Variant Classification (06012015). Collection method: clinical testing. Allele origin: germline. Affected: yes.
Comment: This variant is considered likely benign or benign based on one or more of the following criteria: it is a conservative change, it occurs at a poorly conserved position in the protein, it is predicted to be benign by multiple in silico algorithms, and/or has population frequency not consistent with disease.

Ambry Genetics
Classification: Likely benign for Cardiovascular phenotype. Last evaluated: 2017-07-19. Review status: criteria provided, single submitter. Criteria: Ambry Variant Classification Scheme 2023. Collection method: clinical testing. Allele origin: germline.

Clinical Genetics DNA and cytogenetics Diagnostics Lab, Erasmus MC, Erasmus Medical Center
Classification: Likely benign. Review status: no assertion criteria provided. Collection method: clinical testing. Allele origin: germline. Affected: yes. Study: VKGL Data-share Consensus. Not counted in ClinVar's aggregate classification.

Clinical Genetics, Academic Medical Center
Classification: Benign. Review status: no assertion criteria provided. Collection method: clinical testing. Allele origin: germline. Affected: yes. Study: VKGL Data-share Consensus. Not counted in ClinVar's aggregate classification.